The following is an entry in ClinVar:

NM_001164508.2(NEB):c.20685T>A (p.Tyr6895Ter)

Gene: NEB (nebulin; minus strand). Cytogenetic location: 2q23.3.
Variant type: single nucleotide variant.
Coding change: c.20685T>A on transcript NM_001164508.2 (MANE Select); coding-DNA position 20685, T replaced by A.
Protein change: p.Tyr6895Ter; replaces tyrosine 6895 with a stop codon.
Molecular consequence: nonsense.
Genome position (GRCh38, 1-based): chr2:151,540,799, A>T on the plus strand (T>A on the coding strand, the complement: NEB is on the minus strand). VCF-style: chr2-151540799-A-T. GRCh37 (hg19) VCF-style: chr2-152397313-A-T.
Other names: NM_001164508.2(NEB):c.20685T>A; p.Tyr6895Ter; c.20685T>A, p.Tyr6895Ter (NM_001164507.2, NM_001271208.2); c.15582T>A, p.Tyr5194Ter (NM_004543.5); short protein forms Y5194*, Y6895*.
Identifiers: ClinVar variation 1726025 (VCV001726025.3), dbSNP rs2552157247, ClinGen allele CA348777868.

ClinVar aggregate classification (germline): Likely pathogenic. Review status: criteria provided, multiple submitters, no conflicts (2 of 4 stars). 2 submissions from 2 submitters: Likely pathogenic (2). Last evaluated 2025-03-04.

Conditions:
Nemaline myopathy. Also called: Myopathies, Nemaline. Identifiers: Orphanet 607, MedGen C0206157, MONDO:0018958.
Nemaline myopathy 2 (NEM2). Also called: Nemaline myopathy 2, autosomal recessive. Identifiers: MedGen C1850569, MONDO:0009725, OMIM 256030.

Allele frequency attached by ClinVar (database versions not stated): gnomAD exomes below 0.00001.
gnomAD v4.1: 1 of 1,608,450 alleles (0.000062%); highest among the groups gnomAD compares: Non-Finnish European, 0.000085%; no homozygotes.

Submissions (2):

Broad Center for Mendelian Genomics, Broad Institute of MIT and Harvard
Classification: Likely pathogenic for Nemaline myopathy. Last evaluated: 2025-03-04. Review status: criteria provided, single submitter. Criteria: ACMG Guidelines, 2015. Collection method: curation. Allele origin: germline. Inheritance: Autosomal recessive inheritance.
Comment: The p.Tyr6895Ter variant in NEB has not been previously reported in the literature in individuals with nemaline myopathy, but has been identified in 0.00009% (1/1175066) of European (non-Finnish) chromosomes by the Genome Aggregation Database (gnomAD). Although this variant has been seen in the general population in a heterozygous state, its frequency is low enough to be consistent with a recessive carrier frequency. This variant has also been reported in ClinVar (Variation ID: 1726025) and has been interpreted as likely pathogenic by Myriad Genetics. This nonsense variant leads to a premature termination codon at position 6895, which is predicted to lead to a truncated or absent protein. Loss of function of the NEB gene is an established disease mechanism in autosomal recessive nemaline myopathy. In summary, although additional studies are required to fully establish its clinical significance, this variant is likely pathogenic for autosomal recessive nemaline myopathy. ACMG/AMP Criteria applied: PVS1, PM2_supporting (Richards 2015).

Myriad Genetics, Inc.
Classification: Likely pathogenic for Nemaline myopathy 2. Last evaluated: 2021-12-08. Review status: criteria provided, single submitter. Criteria: Myriad Women's Health Autosomal Recessive and X-Linked Classification Criteria (2021). Collection method: clinical testing. Allele origin: unknown.
Comment: NM_001271208.1(NEB):c.20685T>A(Y6895*) is expected to be pathogenic in the context of NEB-related nemaline myopathy. This variant is predicted to lead to an abnormal or absent protein product due to the creation of a premature termination codon in NEB, a gene where loss-of-function variants are known to be pathogenic. Please note: this variant was assessed in the context of healthy population screening.